The following is an entry in ClinVar:

ClinVar aggregate classification (germline): Uncertain significance (1 of 4 stars; one submission).

Submission:

Labcorp Genetics (formerly Invitae), Labcorp
Classification: Uncertain significance. Last evaluated: 2021-11-04. Review status: criteria provided, single submitter. Criteria: Invitae Variant Classification Sherloc (09022015). Collection method: clinical testing. Allele origin: germline.
Comment: This sequence change replaces proline, which is neutral and non-polar, with leucine, which is neutral and non-polar, at codon 602 of the EFL1 protein (p.Pro602Leu). This variant is not present in population databases (gnomAD no frequency). In summary, the available evidence is currently insufficient to determine the role of this variant in disease. Therefore, it has been classified as a Variant of Uncertain Significance. Algorithms developed to predict the effect of missense changes on protein structure and function (SIFT, PolyPhen-2, Align-GVGD) all suggest that this variant is likely to be tolerated. This variant has not been reported in the literature in individuals affected with EFL1-related conditions.

NM_024580.6(EFL1):c.1805C>T (p.Pro602Leu)

Gene: EFL1 (elongation factor like GTPase 1; minus strand). Cytogenetic location: 15q25.2.
Variant type: single nucleotide variant.
Coding change: c.1805C>T on transcript NM_024580.6 (MANE Select); coding-DNA position 1805, C replaced by T.
Protein change: p.Pro602Leu; replaces proline 602 with leucine.
Molecular consequence: missense variant. On other transcripts: non-coding transcript variant (1).
Genome position (GRCh38, 1-based): chr15:82,163,930, G>A on the plus strand (C>T on the coding strand, the complement: EFL1 is on the minus strand). VCF-style: chr15-82163930-G-A. GRCh37 (hg19) VCF-style: chr15-82456271-G-A.
Other names: c.1652C>T, p.Pro551Leu (NM_001040610.3); c.1016C>T, p.Pro339Leu (NM_001322844.2); c.1805C>T, p.Pro602Leu (NM_001322845.2); short protein forms P551L, P339L, P602L.
Identifiers: ClinVar variation 1436438 (VCV001436438.6), dbSNP rs2141242626, ClinGen allele CA393274757.